The following is an entry in ClinVar:

NM_177438.3(DICER1):c.3248G>C (p.Arg1083Thr)

Gene: DICER1 (dicer 1, ribonuclease III; minus strand). Cytogenetic location: 14q32.13.
Variant type: single nucleotide variant.
Coding change: c.3248G>C on transcript NM_177438.3 (MANE Select); coding-DNA position 3248, G replaced by C.
Protein change: p.Arg1083Thr; replaces arginine 1083 with threonine.
Molecular consequence: missense variant.
Genome position (GRCh38, 1-based): chr14:95,105,092, C>G on the plus strand (G>C on the coding strand, the complement: DICER1 is on the minus strand). VCF-style: chr14-95105092-C-G. GRCh37 (hg19) VCF-style: chr14-95571429-C-G.
Other names: c.3248G>C, p.Arg1083Thr (NM_001195573.1, NM_001271282.3, NM_001291628.2 and 1 more transcripts); short protein forms R1083T.
Identifiers: ClinVar variation 412103 (VCV000412103.14), dbSNP rs1060503616, ClinGen allele CA16614650.
Genomic context (GRCh38, chr14:95,105,092, plus strand): 5'-CATGATCTGTGTTCTTTCTGGCTGACTGCACAGGCATACCTAAAATCCGCAGGAAGTGAT[C>G]TGACTCCCACGCCAGCATCGCTGGCAGTCTGGGCTCTTAGCTCCTCTGCAGTCAAAAGGC-3'
Protein context (NP_803187.1, residues 1073-1093): QTASDAGVGV[Arg1083Thr]SLPADFRYPN

ClinVar aggregate classification (germline): Conflicting classifications of pathogenicity. Review status: criteria provided, conflicting classifications (1 of 4 stars). 3 submissions from 3 submitters: Uncertain significance (2); Likely benign (1). Last evaluated 2025-09-12.

Conditions:
Hereditary cancer-predisposing syndrome. Also called: Hereditary neoplastic syndrome; Neoplastic Syndromes, Hereditary; Tumor predisposition; Hereditary Cancer Syndrome. Identifiers: Orphanet 140162, MedGen C0027672, MeSH D009386, MONDO:0015356.
DICER1-related tumor predisposition. Also called: DICER1-related pleuropulmonary blastoma cancer predisposition syndrome; DICER1 syndrome. Identifiers: Orphanet 284343, MedGen C3839822, MONDO:0100216.

Allele frequency attached by ClinVar (database versions not stated): gnomAD exomes below 0.00001.
gnomAD v4.1: 1 of 1,614,160 alleles (0.000062%); highest among the groups gnomAD compares: Non-Finnish European, 0.000085%; no homozygotes.

Submissions (3):

Labcorp Genetics (formerly Invitae), Labcorp
Classification: Uncertain significance for DICER1-related tumor predisposition. Last evaluated: 2025-09-12. Review status: criteria provided, single submitter. Criteria: Invitae Variant Classification Sherloc (09022015). Collection method: clinical testing. Allele origin: germline.
Comment: This sequence change replaces arginine, which is basic and polar, with threonine, which is neutral and polar, at codon 1083 of the DICER1 protein (p.Arg1083Thr). This variant is not present in population databases (gnomAD no frequency). This variant has not been reported in the literature in individuals affected with DICER1-related conditions. ClinVar contains an entry for this variant (Variation ID: 412103). Invitae Evidence Modeling of protein sequence and biophysical properties (such as structural, functional, and spatial information, amino acid conservation, physicochemical variation, residue mobility, and thermodynamic stability) indicates that this missense variant is not expected to disrupt DICER1 protein function with a negative predictive value of 95%. In summary, the available evidence is currently insufficient to determine the role of this variant in disease. Therefore, it has been classified as a Variant of Uncertain Significance.

Ambry Genetics
Classification: Likely benign for Hereditary cancer-predisposing syndrome. Last evaluated: 2024-01-09. Review status: criteria provided, single submitter. Criteria: Ambry Variant Classification Scheme 2023. Collection method: clinical testing. Allele origin: germline.

GeneDx
Classification: Uncertain significance. Last evaluated: 2023-12-21. Review status: criteria provided, single submitter. Criteria: GeneDx Variant Classification Process June 2021. Collection method: clinical testing. Allele origin: germline. Affected: yes.
Comment: Not observed at significant frequency in large population cohorts (gnomAD); In silico analysis supports that this missense variant does not alter protein structure/function; Has not been previously published as pathogenic or benign to our knowledge